The following is an entry in ClinVar:

NM_001999.4(FBN2):c.7267G>A (p.Glu2423Lys)

Gene: FBN2 (fibrillin 2; minus strand). Cytogenetic location: 5q23.3.
Variant type: single nucleotide variant.
Coding change: c.7267G>A on transcript NM_001999.4 (MANE Select); coding-DNA position 7267, G replaced by A.
Protein change: p.Glu2423Lys; replaces glutamic acid 2423 with lysine.
Molecular consequence: missense variant.
Genome position (GRCh38, 1-based): chr5:128,278,713, C>T on the plus strand (G>A on the coding strand, the complement: FBN2 is on the minus strand). VCF-style: chr5-128278713-C-T. GRCh37 (hg19) VCF-style: chr5-127614405-C-T.
Other names: short protein forms E2423K.
Identifiers: ClinVar variation 4694690 (VCV004694690.1).

ClinVar aggregate classification (germline): Uncertain significance (1 of 4 stars; one submission).

Conditions:
Congenital contractural arachnodactyly (CCA). Also called: Beals-Hecht syndrome; BEALS SYNDROME; Arthrogryposis, distal, type 9. Identifiers: Orphanet 115, MedGen C0220668, MONDO:0007363, OMIM 121050.

gnomAD v4.1: 8 of 1,614,162 alleles (0.0005%); highest among the groups gnomAD compares: Non-Finnish European, 0.00068%; no homozygotes.

Submission:

Labcorp Genetics (formerly Invitae), Labcorp
Classification: Uncertain significance for Congenital contractural arachnodactyly. Last evaluated: 2025-02-26. Review status: criteria provided, single submitter. Criteria: Invitae Variant Classification Sherloc (09022015). Collection method: clinical testing. Allele origin: germline.
Comment: This sequence change replaces glutamic acid, which is acidic and polar, with lysine, which is basic and polar, at codon 2423 of the FBN2 protein (p.Glu2423Lys). This variant is not present in population databases (gnomAD no frequency). This missense change has been observed in individual(s) with thoracic aortic aneurysm and dissection (internal data). Invitae Evidence Modeling of protein sequence and biophysical properties (such as structural, functional, and spatial information, amino acid conservation, physicochemical variation, residue mobility, and thermodynamic stability) indicates that this missense variant is not expected to disrupt FBN2 protein function with a negative predictive value of 80%. In summary, the available evidence is currently insufficient to determine the role of this variant in disease. Therefore, it has been classified as a Variant of Uncertain Significance.